The following is an entry in ClinVar:

ClinVar aggregate classification (germline): Uncertain significance (1 of 4 stars; one submission).

Conditions:
Charcot-Marie-Tooth disease axonal type 2O. Also called: CHARCOT-MARIE-TOOTH NEUROPATHY, AXONAL, TYPE 2O; CHARCOT-MARIE-TOOTH DISEASE, AXONAL, AUTOSOMAL DOMINANT, TYPE 2O; Charcot-Marie-Tooth Neuropathy Type 2O; Charcot-Marie-Tooth disease, axonal, type 20. Identifiers: Orphanet 284232, MedGen C3280220, MONDO:0013644, OMIM 614228.

Submission:

Labcorp Genetics (formerly Invitae), Labcorp
Classification: Uncertain significance for Charcot-Marie-Tooth disease axonal type 2O. Last evaluated: 2025-09-23. Review status: criteria provided, single submitter. Criteria: Invitae Variant Classification Sherloc (09022015). Collection method: clinical testing. Allele origin: germline.
Comment: This sequence change falls in intron 50 of the DYNC1H1 gene. It does not directly change the encoded amino acid sequence of the DYNC1H1 protein. It affects a nucleotide within the consensus splice site. This variant is present in population databases (no rsID available, gnomAD 0.03%). This variant has not been reported in the literature in individuals affected with DYNC1H1-related conditions. ClinVar contains an entry for this variant (Variation ID: 1395116). Variants that disrupt the consensus splice site are a relatively common cause of aberrant splicing (PMID: 17576681, 9536098). Algorithms developed to predict the effect of sequence changes on RNA splicing suggest that this variant is not likely to affect RNA splicing. In summary, the available evidence is currently insufficient to determine the role of this variant in disease. Therefore, it has been classified as a Variant of Uncertain Significance.

Literature cited by the submitters: PubMed 17576681; PubMed 9536098.

NM_001376.5(DYNC1H1):c.9762+6del

Gene: DYNC1H1 (dynein cytoplasmic 1 heavy chain 1; plus strand). Cytogenetic location: 14q32.31.
Variant type: Deletion.
Coding change: c.9762+6del on transcript NM_001376.5 (MANE Select); 6 bases into the intron after coding-DNA position 9762, one base deleted (G; older notation c.9762+6delG).
Molecular consequence: intron variant.
Genome position (GRCh38, 1-based): chr14:102,029,944, G deleted; the last of 2 consecutive G bases (chr14:102,029,943-102,029,944); deleting either gives the same sequence. VCF-style (leftmost placement, unchanged base first): chr14-102029942-TG-T. GRCh37 (hg19) VCF-style: chr14-102496279-TG-T.
Identifiers: ClinVar variation 1395116 (VCV001395116.7), dbSNP rs1341822110, ClinGen allele CA616580270.